The following is an entry in ClinVar:

NM_014159.7(SETD2):c.3829A>G (p.Ser1277Gly)

Gene: SETD2 (SET domain containing 2, histone lysine methyltransferase; minus strand). Cytogenetic location: 3p21.31.
Variant type: single nucleotide variant.
Coding change: c.3829A>G on transcript NM_014159.7 (MANE Select); coding-DNA position 3829, A replaced by G.
Protein change: p.Ser1277Gly; replaces serine 1277 with glycine.
Molecular consequence: missense variant. On other transcripts: non-coding transcript variant (1).
Genome position (GRCh38, 1-based): chr3:47,120,807, T>C on the plus strand (A>G on the coding strand, the complement: SETD2 is on the minus strand). VCF-style: chr3-47120807-T-C. GRCh37 (hg19) VCF-style: chr3-47162297-T-C.
Other names: c.3697A>G, p.Ser1233Gly (NM_001349370.3); short protein forms S1233G, S1277G.
Identifiers: ClinVar variation 3896167 (VCV003896167.2).

ClinVar aggregate classification (germline): Uncertain significance (1 of 4 stars; one submission).

gnomAD v4.1: 1 of 1,614,258 alleles (0.000062%); highest among the groups gnomAD compares: Non-Finnish European, 0.000085%; no homozygotes.

Submission:

Women's Health and Genetics/Laboratory Corporation of America, LabCorp
Classification: Uncertain significance. Last evaluated: 2025-04-21. Review status: criteria provided, single submitter. Criteria: LabCorp Variant Classification Summary - May 2015. Collection method: clinical testing. Allele origin: germline.
Comment: Variant summary: SETD2 c.3829A>G (p.Ser1277Gly) results in a non-conservative amino acid change in the encoded protein sequence. Five of five in-silico tools predict a damaging effect of the variant on protein function. The variant was absent in 251366 control chromosomes (gnomAD). The available data on variant occurrences in the general population are insufficient to allow any conclusion about variant significance. To our knowledge, no occurrence of c.3829A>G in individuals affected with Luscan-Lumish Syndrome and no experimental evidence demonstrating its impact on protein function have been reported. No submitters have cited clinical-significance assessments for this variant to ClinVar. Based on the evidence outlined above, the variant was classified as uncertain significance.